The following is an entry in ClinVar:

ClinVar aggregate classification (germline): Benign/Likely benign. Review status: criteria provided, multiple submitters, no conflicts (2 of 4 stars). 6 submissions from 6 submitters: Benign (3); Likely benign (3). Last evaluated 2025-12-29.

Conditions:
Cardiac anomalies - developmental delay - facial dysmorphism syndrome (MRFACD). Also called: MED13L Syndrome; Impaired intellectual development and distinctive facial features with or without cardiac defects. Identifiers: Orphanet 369891, MedGen C5192431, MONDO:0014773, OMIM 616789.
Dextro-looped transposition of the great arteries. Also called: Dextrotransposition of the great arteries. Identifiers: Orphanet 860, MedGen C3531771, MONDO:0019443, OMIM 608808, HP:0031348.

Allele frequency attached by ClinVar (database versions not stated): gnomAD exomes 0.00051; ExAC 0.00062; gnomAD 0.00172; TOPMed 0.00200; 1000 Genomes Project 30x 0.00250; ESP Exome Variant Server 0.00254; 1000 Genomes Project 0.00280.
gnomAD v4.1: 543 of 1,614,152 alleles (0.034%); highest among the groups gnomAD compares: African/African-American, 0.6%; 2 homozygotes.

Submissions (6):

Labcorp Genetics (formerly Invitae), Labcorp
Classification: Benign for Dextro-looped transposition of the great arteries. Last evaluated: 2025-12-29. Review status: criteria provided, single submitter. Criteria: Invitae Variant Classification Sherloc (09022015). Collection method: clinical testing. Allele origin: germline.

Blueprint Genetics
Classification: Likely benign. Last evaluated: 2024-11-27. Review status: criteria provided, single submitter. Criteria: ACMG Guidelines, 2015. Collection method: clinical testing. Allele origin: germline.

CeGaT Center for Human Genetics Tuebingen
Classification: Likely benign. Last evaluated: 2024-10-01. Review status: criteria provided, single submitter. Criteria: CeGaT Center For Human Genetics Tuebingen Variant Classification Criteria Version 2. Collection method: clinical testing. Allele origin: germline. Affected: yes. Observed: 6 variant alleles.
Comment: MED13L: BP4, BS1

Fulgent Genetics
Classification: Likely benign for Cardiac anomalies - developmental delay - facial dysmorphism syndrome. Last evaluated: 2022-05-17. Review status: criteria provided, single submitter. Criteria: ACMG Guidelines, 2015. Collection method: clinical testing. Allele origin: unknown.

GeneDx
Classification: Benign. Last evaluated: 2019-11-30. Review status: criteria provided, single submitter. Criteria: GeneDx Variant Classification Process June 2021. Collection method: clinical testing. Allele origin: germline. Affected: yes.

Breakthrough Genomics
Classification: Benign. Review status: criteria provided, single submitter. Criteria: ACMG Guidelines, 2015. Collection method: not provided. Allele origin: germline. Inheritance: Autosomal dominant inheritance. Affected: yes.

NM_015335.5(MED13L):c.4593C>T (p.Thr1531=)

Gene: MED13L (mediator complex subunit 13L; minus strand). Cytogenetic location: 12q24.21.
Variant type: single nucleotide variant.
Coding change: c.4593C>T on transcript NM_015335.5 (MANE Select); coding-DNA position 4593, C replaced by T.
Protein change: p.Thr1531=; no amino-acid change (threonine 1531 retained).
Molecular consequence: synonymous variant.
Genome position (GRCh38, 1-based): chr12:115,983,479, G>A on the plus strand (C>T on the coding strand, the complement: MED13L is on the minus strand). VCF-style: chr12-115983479-G-A. GRCh37 (hg19) VCF-style: chr12-116421284-G-A.
Identifiers: ClinVar variation 697319 (VCV000697319.39), dbSNP rs138774472, ClinGen allele CA6810768.